The following is an entry in ClinVar:

NM_014423.4(AFF4):c.1220C>T (p.Pro407Leu)

Gene: AFF4 (ALF transcription elongation factor 4; minus strand). Cytogenetic location: 5q31.1.
Variant type: single nucleotide variant.
Coding change: c.1220C>T on transcript NM_014423.4 (MANE Select); coding-DNA position 1220, C replaced by T.
Protein change: p.Pro407Leu; replaces proline 407 with leucine.
Molecular consequence: missense variant.
Genome position (GRCh38, 1-based): chr5:132,899,110, G>A on the plus strand (C>T on the coding strand, the complement: AFF4 is on the minus strand). VCF-style: chr5-132899110-G-A. GRCh37 (hg19) VCF-style: chr5-132234802-G-A.
Other names: short protein forms P407L.
Identifiers: ClinVar variation 2692567 (VCV002692567.2), dbSNP rs2532484078, ClinGen allele CA360942422.
Genomic context (GRCh38, chr5:132,899,110, plus strand): 5'-TTATCAGGCTGACCCAACTCTTACCAATAAAACAGAAAAGAAAAGGATGCCCACCTTCCT[G>A]GTGTACTCCTCGGCATTGTCTTATCACAATCCTAAAATTAAAACATAAGAAAGAATCTGT-3'
Protein context (NP_055238.1, residues 397-417): DCDKTMPRST[Pro407Leu]GSNSEPSHHN

ClinVar aggregate classification (germline): Uncertain significance. Review status: criteria provided, multiple submitters, no conflicts (2 of 4 stars). 2 submissions from 2 submitters: Uncertain significance (2). Last evaluated 2023-10-25.

Conditions:
Cognitive impairment - coarse facies - heart defects - obesity - pulmonary involvement - short stature - skeletal dysplasia syndrome. Also called: COGNITIVE IMPAIRMENT, COARSE FACIES, HEART DEFECTS, OBESITY, PULMONARY INVOLVEMENT, SHORT STATURE, AND SKELETAL DYSPLASIA; Chops syndrome; AFF4-Related CHOPS Syndrome. Identifiers: Orphanet 444077, MedGen C4085597, MONDO:0014609, OMIM 616368.

Submissions (2):

Greenwood Genetic Center Diagnostic Laboratories, Greenwood Genetic Center
Classification: Uncertain significance. Last evaluated: 2023-10-25. Review status: criteria provided, single submitter. Criteria: ACMG Guidelines, 2015. Collection method: clinical testing. Allele origin: germline. Affected: yes.
Comment: PM2

ARUP Laboratories, Molecular Genetics and Genomics, ARUP Laboratories
Classification: Uncertain significance for Cognitive impairment - coarse facies - heart defects - obesity - pulmonary involvement - short stature - skeletal dysplasia syndrome. Review status: criteria provided, single submitter. Criteria: ARUP Molecular Germline Variant Investigation Process 2024. Collection method: clinical testing. Allele origin: germline.